The following is an entry in ClinVar:

NM_183357.3(ADCY5):c.1675G>A (p.Val559Met)

Gene: ADCY5 (adenylate cyclase 5; minus strand). Cytogenetic location: 3q21.1.
Variant type: single nucleotide variant.
Coding change: c.1675G>A on transcript NM_183357.3 (MANE Select); coding-DNA position 1675, G replaced by A.
Protein change: p.Val559Met; replaces valine 559 with methionine.
Molecular consequence: missense variant.
Genome position (GRCh38, 1-based): chr3:123,328,774, C>T on the plus strand (G>A on the coding strand, the complement: ADCY5 is on the minus strand). VCF-style: chr3-123328774-C-T. GRCh37 (hg19) VCF-style: chr3-123047621-C-T.
Other names: c.625G>A, p.Val209Met (NM_001199642.1); c.1675G>A, p.Val559Met (NM_001378259.1); short protein forms V209M, V559M.
Identifiers: ClinVar variation 4885397 (VCV004885397.2).
Genomic context (GRCh38, chr3:123,328,774, plus strand): 5'-TCCTGAGACCAAGGACACCGCAGTGTACTCGCCCGCTGTGAATTCCCACACGCATGTTCA[C>T]GTTCACCCCTGTCACCTCCCGGACCAACCTGGGGATGGAGCAGGAGTAAAGCTGGGAGAA-3'
Protein context (NP_899200.1, residues 549-569): SLVREVTGVN[Val559Met]NMRVGIHSGR

ClinVar aggregate classification (germline): Uncertain significance (1 of 4 stars; one submission).

gnomAD v4.1: 1 of 1,614,098 alleles (0.000062%); highest among the groups gnomAD compares: African/African-American, 0.0013%; no homozygotes.

Submission:

Dasa
Classification: Uncertain significance. Last evaluated: 2025-08-30. Review status: criteria provided, single submitter. Criteria: DASA Assertion Criteria. Collection method: clinical testing. Allele origin: germline.
Comment: NM_183357.3(ADCY5):c.1675G>A (p.Val559Met) is a missense variant that results in the substitution of valine with methionine. This variant is rare in population databases. Computational prediction algorithms are consistent with a deleterious effect. The currently available literature and clinical evidence are not sufficient to establish a definitive association between this variant and the reported condition. Therefore, this variant is classified as a variant of uncertain significance.